The following is an entry in ClinVar:

NC_000017.10:g.(?_59857602)_(59861805_?)del

Gene: BRIP1 (BRCA1 interacting DNA helicase 1; minus strand). Cytogenetic location: 17q23.2.
Variant type: Deletion.
Identifiers: ClinVar variation 3242957 (VCV003242957.1).

ClinVar aggregate classification (germline): Pathogenic (1 of 4 stars; one submission).

Conditions:
Familial cancer of breast. Also called: BREAST CANCER, FAMILIAL; hereditary breast carcinoma; Hereditary breast cancer. Identifiers: Orphanet 227535, MedGen C0346153, MONDO:0016419, OMIM 114480. Disease mechanism: loss of function.
Fanconi anemia complementation group J. Also called: BRIP1-Related Fanconi Anemia. Identifiers: Orphanet 84, MedGen C1836860, MONDO:0012187, OMIM 609054.

Submission:

Labcorp Genetics (formerly Invitae), Labcorp
Classification: Pathogenic for Familial cancer of breast; Fanconi anemia complementation group J. Last evaluated: 2023-12-04. Review status: criteria provided, single submitter. Criteria: Invitae Variant Classification Sherloc (09022015). Collection method: clinical testing. Allele origin: unknown.
Comment: This variant is a gross deletion of the genomic region encompassing exon(s) 11-13 of the BRIP1 gene. This variant would be expected to be in-frame, preserving the integrity of the reading frame. A similar copy number variant has been observed in individual(s) with ovarian cancer (PMID: 26720728, 30322717). This variant disrupts a region of the BRIP1 protein in which other variant(s) (p.Glu626Asp) have been determined to be pathogenic (PMID: 23285130). This suggests that this is a clinically significant region of the protein, and that variants that disrupt it are likely to be disease-causing. For these reasons, this variant has been classified as Pathogenic.

Literature cited by the submitters: PubMed 26720728; PubMed 30322717; PubMed 23285130.